The following is an entry in ClinVar:

ClinVar aggregate classification (germline): Uncertain significance. Review status: criteria provided, multiple submitters, no conflicts (2 of 4 stars). 2 submissions from 2 submitters: Uncertain significance (2). Last evaluated 2025-04-26.

Conditions:
Distal myopathy with posterior leg and anterior hand involvement. Also called: WILLIAMS DISTAL MYOPATHY. Identifiers: Orphanet 63273, MedGen C3279722, MONDO:0013550, OMIM 614065.
Myofibrillar myopathy 5. Also called: Filaminopathy (type); FILAMINOPATHY, AUTOSOMAL DOMINANT. Identifiers: Orphanet 171445, MedGen C1836050, MONDO:0012289, OMIM 609524.
Hypertrophic cardiomyopathy 26. Also called: Cardiomyopathy, familial hypertrophic, 26. Identifiers: Orphanet 75249, MedGen C4310749, MONDO:0014883, OMIM 617047.

Allele frequency attached by ClinVar (database versions not stated): gnomAD exomes below 0.00001 and 0.00001; TOPMed below 0.00001.
gnomAD v4.1: 6 of 1,555,518 alleles (0.00039%); highest among the groups gnomAD compares: Admixed American, 0.0019%; no homozygotes.

Submissions (2):

GeneDx
Classification: Uncertain significance. Last evaluated: 2025-04-26. Review status: criteria provided, single submitter. Criteria: GeneDx Variant Classification Process June 2021. Collection method: clinical testing. Allele origin: germline. Affected: yes.
Comment: Not observed at significant frequency in large population cohorts (gnomAD); In silico analysis supports that this missense variant has a deleterious effect on protein structure/function; Has not been previously published as pathogenic or benign to our knowledge

Labcorp Genetics (formerly Invitae), Labcorp
Classification: Uncertain significance for Distal myopathy with posterior leg and anterior hand involvement; Myofibrillar myopathy 5; Hypertrophic cardiomyopathy 26. Last evaluated: 2024-08-28. Review status: criteria provided, single submitter. Criteria: Invitae Variant Classification Sherloc (09022015). Collection method: clinical testing. Allele origin: germline.
Comment: This sequence change replaces alanine, which is neutral and non-polar, with threonine, which is neutral and polar, at codon 794 of the FLNC protein (p.Ala794Thr). The frequency data for this variant in the population databases is considered unreliable, as metrics indicate poor data quality at this position in the gnomAD database. This variant has not been reported in the literature in individuals affected with FLNC-related conditions. ClinVar contains an entry for this variant (Variation ID: 582297). Invitae Evidence Modeling of protein sequence and biophysical properties (such as structural, functional, and spatial information, amino acid conservation, physicochemical variation, residue mobility, and thermodynamic stability) has been performed for this missense variant. However, the output from this modeling did not meet the statistical confidence thresholds required to predict the impact of this variant on FLNC protein function. In summary, the available evidence is currently insufficient to determine the role of this variant in disease. Therefore, it has been classified as a Variant of Uncertain Significance.

NM_001458.5(FLNC):c.2380G>A (p.Ala794Thr)

Gene: FLNC (filamin C; plus strand). Cytogenetic location: 7q32.1.
Variant type: single nucleotide variant.
Coding change: c.2380G>A on transcript NM_001458.5 (MANE Select); coding-DNA position 2380, G replaced by A.
Protein change: p.Ala794Thr; replaces alanine 794 with threonine.
Molecular consequence: missense variant.
Genome position (GRCh38, 1-based): chr7:128,842,689, G>A. VCF-style: chr7-128842689-G-A. GRCh37 (hg19) VCF-style: chr7-128482743-G-A.
Other names: c.2380G>A, p.Ala794Thr (NM_001127487.2); short protein forms A794T.
Identifiers: ClinVar variation 582297 (VCV000582297.10), dbSNP rs1198975298, ClinGen allele CA369191419.